The following is an entry in ClinVar:

NM_023110.3(FGFR1):c.1309A>G (p.Met437Val)

Gene: FGFR1 (fibroblast growth factor receptor 1; minus strand). Cytogenetic location: 8p11.23.
Variant type: single nucleotide variant.
Coding change: c.1309A>G on transcript NM_023110.3 (MANE Select); coding-DNA position 1309, A replaced by G.
Protein change: p.Met437Val; replaces methionine 437 with valine.
Molecular consequence: missense variant.
Genome position (GRCh38, 1-based): chr8:38,418,349, T>C on the plus strand (A>G on the coding strand, the complement: FGFR1 is on the minus strand). VCF-style: chr8-38418349-T-C. GRCh37 (hg19) VCF-style: chr8-38275867-T-C.
Other names: c.1303A>G, p.Met435Val (NM_001174063.2, NM_001174065.2, NM_001354367.2 and 1 more transcripts); c.1279A>G, p.Met427Val (NM_001174064.2); c.1042A>G, p.Met348Val (NM_001174066.2, NM_023105.3); c.1402A>G, p.Met468Val (NM_001174067.2); c.1030A>G, p.Met344Val (NM_001354368.2); c.1297A>G, p.Met433Val (NM_001354369.2, NM_001410922.1); c.1036A>G, p.Met346Val (NM_001354370.2, NM_023106.3); short protein forms M468V, M348V, M427V, M344V, M346V, M433V, M435V, M437V.
Identifiers: ClinVar variation 3595597 (VCV003595597.2).
Genomic context (GRCh38, chr8:38,418,349, plus strand): 5'-GCATGGGAGTCCCACTGGAGGAGAGCCGTGATGGCCGAACCAGAAGAACCCCAGAGTTCA[T>C]GGATGCACTGGAGTCAGCAGACACCTGCAAGGAAGAGTGGGGTCACCCTAGAGCAAGGAG-3'
Protein context (NP_075598.2, residues 427-447): VTVSADSSAS[Met437Val]NSGVLLVRPS

ClinVar aggregate classification (germline): Uncertain significance. Review status: criteria provided, multiple submitters, no conflicts (2 of 4 stars). 2 submissions from 2 submitters: Uncertain significance (2). Last evaluated 2024-09-18.

Conditions:
Jackson-Weiss syndrome (JWS). Also called: CRANIOSYNOSTOSIS, MIDFACIAL HYPOPLASIA, AND FOOT ABNORMALITIES. Identifiers: Orphanet 1540, MedGen C0795998, MONDO:0007400, OMIM 123150. Disease mechanism: loss of function.
Hartsfield-Bixler-Demyer syndrome (HRTFDS). Also called: Hartsfield syndrome; Holoprosencephaly, ectrodactyly, and bilateral cleft lip/palate; FGFR1-Related Hartsfield Syndrome. Identifiers: Orphanet 2117, MedGen C1845146, MONDO:0014196, OMIM 615465. Disease mechanism: loss of function.
Hypogonadotropic hypogonadism 2 with or without anosmia (HH2). Also called: HYPOGONADOTROPIC HYPOGONADISM 2 WITHOUT ANOSMIA; HYPOGONADOTROPIC HYPOGONADISM 2 WITH OR WITHOUT ANOSMIA, SUSCEPTIBILITY TO; HYPOGONADOTROPIC HYPOGONADISM 2 WITHOUT ANOSMIA, SUSCEPTIBILITY TO; FGFR1-Related GnRH Deficiency (Kallmann Syndrome 2). Identifiers: Orphanet 478, MedGen C1563720, MONDO:0007844, OMIM 147950. Disease mechanism: loss of function.
Encephalocraniocutaneous lipomatosis (ECCL). Identifiers: Orphanet 2396, MedGen C0406612, MONDO:0013074, OMIM 613001.
Osteoglophonic dysplasia (OGD). Also called: Osteoglophonic dwarfism. Identifiers: Orphanet 2645, MedGen C0432283, MONDO:0008150, OMIM 166250.
Pfeiffer syndrome (ACS5). Also called: ACS V. Identifiers: Orphanet 710, MedGen C0220658, MONDO:0007043, OMIM 101600.
Trigonocephaly 1 (TRIGNO1). Identifiers: Orphanet 3366, MedGen C0432122, MONDO:0008603, OMIM 190440.

gnomAD v4.1: 1 of 1,614,086 alleles (0.000062%); highest among the groups gnomAD compares: East Asian, 0.0022%; no homozygotes.

Submissions (2):

GeneDx
Classification: Uncertain significance. Last evaluated: 2024-09-18. Review status: criteria provided, single submitter. Criteria: GeneDx Variant Classification Process June 2021. Collection method: clinical testing. Allele origin: germline. Affected: yes.
Comment: Not observed at significant frequency in large population cohorts (gnomAD); In silico analysis indicates that this missense variant does not alter protein structure/function; This variant is associated with the following publications: (PMID: 33548149)

Fulgent Genetics
Classification: Uncertain significance for Pfeiffer syndrome; Jackson-Weiss syndrome; Hypogonadotropic hypogonadism 2 with or without anosmia; Osteoglophonic dysplasia; Trigonocephaly 1; Encephalocraniocutaneous lipomatosis; Hartsfield-Bixler-Demyer syndrome. Last evaluated: 2024-01-03. Review status: criteria provided, single submitter. Criteria: ACMG Guidelines, 2015. Collection method: clinical testing. Allele origin: germline.